The following is an entry in ClinVar:

ClinVar aggregate classification (germline): Uncertain significance (1 of 4 stars; one submission).

Conditions:
Bardet-Biedl syndrome (BBS). Identifiers: Orphanet 110, MedGen C0752166, MONDO:0015229.

gnomAD v4.1: 3 of 1,611,468 alleles (0.00019%); highest among the groups gnomAD compares: South Asian, 0.0022%; no homozygotes.

Submission:

Labcorp Genetics (formerly Invitae), Labcorp
Classification: Uncertain significance for Bardet-Biedl syndrome. Last evaluated: 2022-05-12. Review status: criteria provided, single submitter. Criteria: Invitae Variant Classification Sherloc (09022015). Collection method: clinical testing. Allele origin: germline.
Comment: This sequence change affects codon 315 of the BBS7 mRNA. It is a 'silent' change, meaning that it does not change the encoded amino acid sequence of the BBS7 protein. This variant is not present in population databases (gnomAD no frequency). This variant has not been reported in the literature in individuals affected with BBS7-related conditions. Algorithms developed to predict the effect of sequence changes on RNA splicing suggest that this variant may disrupt the consensus splice site. In summary, the available evidence is currently insufficient to determine the role of this variant in disease. Therefore, it has been classified as a Variant of Uncertain Significance.

NM_176824.3(BBS7):c.945A>G (p.Thr315=)

Gene: BBS7 (Bardet-Biedl syndrome 7; minus strand). Cytogenetic location: 4q27.
Variant type: single nucleotide variant.
Coding change: c.945A>G on transcript NM_176824.3 (MANE Select); coding-DNA position 945, A replaced by G.
Protein change: p.Thr315=; no amino-acid change (threonine 315 retained).
Molecular consequence: synonymous variant.
Genome position (GRCh38, 1-based): chr4:121,847,496, T>C on the plus strand (A>G on the coding strand, the complement: BBS7 is on the minus strand). VCF-style: chr4-121847496-T-C. GRCh37 (hg19) VCF-style: chr4-122768651-T-C.
Other names: c.945A>G, p.Thr315= (NM_018190.4).
Identifiers: ClinVar variation 2203070 (VCV002203070.1), dbSNP rs1726075423, ClinGen allele CA440922352.